The following is an entry in ClinVar:

GRCh38/hg38 9q34.3(chr9:137699442-137754877)x3

Genes: EHMT1 (euchromatic histone lysine methyltransferase 1; plus strand), LOC130003140 (ATAC-STARR-seq lymphoblastoid silent region 20637; plus strand), LOC130003141 (ATAC-STARR-seq lymphoblastoid active region 29361; plus strand), LOC130003142 (ATAC-STARR-seq lymphoblastoid active region 29362; plus strand), LOC130003143 (ATAC-STARR-seq lymphoblastoid active region 29363; plus strand) and 1 more. Cytogenetic location: 9q34.3.
Variant type: copy number gain.
Change: copy number 3 (three copies instead of two) of chr9:137,699,442-137,754,877 (55.4 kb, GRCh38 coordinates, 1-based), cytogenetic band 9q34.3.
Identifiers: ClinVar variation 3571453 (VCV003571453.1).

ClinVar aggregate classification (germline): Pathogenic (1 of 4 stars; one submission).

Conditions:
Kleefstra syndrome 1 (KLEFS1). Identifiers: Orphanet 261494, MedGen C0795833, MONDO:0027407, OMIM 610253.

Submission:

Broad Center for Mendelian Genomics, Broad Institute of MIT and Harvard
Classification: Pathogenic for Kleefstra syndrome 1. Last evaluated: 2024-12-09. Review status: criteria provided, single submitter. Criteria: ACMG/ClinGen CNV Guidelines, 2019. Collection method: research. Allele origin: de novo. Inheritance: Autosomal dominant inheritance. Affected: yes. Study: GREGoR Consortium.
Comment: A confirmed de novo heterozygous duplication of exons 2-8 in EHMT1 (NM_024757.5) was identified by genome sequencing in 1 individual with intellectual disability ([GRCh 38] chr9:137699442_137754877x3; PMID: 38258669). The patient phenotype is nonspecific, but is consistent with cases described in the literature. This intragenic variant is predicted to cause a frameshift, which alters the protein’s amino acid sequence and leads to a premature termination codon. This alteration is then predicted to lead to a truncated or absent protein. Heterozygous loss of function of the EHMT1 gene is an established disease mechanism in Kleefstra syndrome. In summary, this variant meets criteria to be classified as pathogenic for autosomal dominant Kleefstra syndrome. The ACMG/ClinGen evidence codes and points used in this curation are as follows: 1: 0 points, 2: 0.9 points, 3: 0 points, 4-5: 0.3 points; Total: 1.2 points; Riggs 2020 (PMID: 31690835).

Literature cited by the submitters: PubMed 38258669.